The following is an entry in ClinVar:

NM_198904.4(GABRG2):c.769+2T>C

Gene: GABRG2 (gamma-aminobutyric acid type A receptor subunit gamma2; plus strand). Cytogenetic location: 5q34.
Variant type: single nucleotide variant.
Coding change: c.769+2T>C on transcript NM_198904.4 (MANE Select); the canonical splice donor site of the intron after coding-DNA position 769, T replaced by C.
Molecular consequence: splice donor variant.
Genome position (GRCh38, 1-based): chr5:162,104,028, T>C. VCF-style: chr5-162104028-T-C. GRCh37 (hg19) VCF-style: chr5-161531034-T-C.
Other names: c.484+2T>C (NM_001375349.1); c.889+2T>C (NM_001375343.1, NM_198903.2); c.769+2T>C (NM_001375344.1, NM_001375340.1, NM_001375341.1 and 2 more transcripts); c.349+2T>C (NM_001375350.1, NM_001375348.1); c.760+2T>C (NM_001375339.1); c.703+2T>C (NM_001375346.1, NM_001375345.1); c.682+2T>C (NM_001375347.1).
Identifiers: ClinVar variation 2942743 (VCV002942743.3), dbSNP rs1561645243, ClinGen allele CA362185272.
Genomic context (GRCh38, chr5:162,104,028, plus strand): 5'-TTATCAATTCTCATTTGTTGGTCTAAGAAATACCACCGAAGTAGTGAAGACAACTTCCGG[T>C]AAGATGCACTGGCAAAGAATTTCAAGTGACCCTTCCAGAGTTGAAATTTTGGTATATATG-3'

ClinVar aggregate classification (germline): Pathogenic (1 of 4 stars; one submission).

Conditions:
EPILEPSY, CHILDHOOD ABSENCE, SUSCEPTIBILITY TO, 2 (ECA2). Identifiers: Orphanet 64280, MedGen C1843244, OMIM 607681.
Febrile seizures, familial, 8 (FEB8). Also called: CONVULSIONS, FAMILIAL FEBRILE, 8. Identifiers: Orphanet 36387, MedGen C1969810, MONDO:0011891, OMIM 607681.

Submission:

Labcorp Genetics (formerly Invitae), Labcorp
Classification: Pathogenic for Febrile seizures, familial, 8; EPILEPSY, CHILDHOOD ABSENCE, SUSCEPTIBILITY TO, 2. Last evaluated: 2022-12-27. Review status: criteria provided, single submitter. Criteria: Invitae Variant Classification Sherloc (09022015). Collection method: clinical testing. Allele origin: germline.
Comment: For these reasons, this variant has been classified as Pathogenic. Studies have shown that disruption of this splice site alters mRNA splicing and is expected to lead to the loss of protein expression (PMID: 22539854). Disruption of this splice site has been observed in individual(s) with clinical features of GABRG2-related conditions (PMID: 12117362). It has also been observed to segregate with disease in related individuals. This variant is not present in population databases (gnomAD no frequency). This sequence change affects a donor splice site in intron 6 of the GABRG2 gene. It is expected to disrupt RNA splicing. Variants that disrupt the donor or acceptor splice site typically lead to a loss of protein function (PMID: 16199547), and loss-of-function variants in GABRG2 are known to be pathogenic (PMID: 22539854, 22750526, 24407264).

Literature cited by the submitters: PubMed 22539854; PubMed 12117362; PubMed 16199547; PubMed 22750526; PubMed 24407264.